The following is an entry in ClinVar:

ClinVar aggregate classification (germline): Conflicting classifications of pathogenicity. Review status: criteria provided, conflicting classifications (1 of 4 stars). 6 submissions from 6 submitters: Uncertain significance (5); Likely benign (1). Last evaluated 2026-09-01.

Conditions:
Hyperkalemic periodic paralysis. Also called: Familial hyperkalemic periodic paralysis; Gamstorp disease. Identifiers: Orphanet 682, MedGen C0238357, MONDO:0008224, OMIM 170500, HP:0007215.
Congenital myasthenic syndrome 16. Identifiers: Orphanet 590, MedGen C3280112, MONDO:0013620, OMIM 614198.
Paramyotonia congenita of Von Eulenburg. Also called: Myotonia congenita intermittens; Von Eulenburg paramyotonia congenita; Paramyotonia Congenita; PARALYSIS PERIODICA PARAMYOTONICA; Eulenburg disease. Identifiers: Orphanet 684, MedGen C0221055, MONDO:0008195, OMIM 168300. Disease mechanism: loss of function.
Congenital myopathy 22A, classic (CMYO22A). Identifiers: MedGen C5830453, MONDO:0957247, OMIM 620351.
Congenital myopathy 22B, severe fetal (CMYO22B). Identifiers: MedGen C5830501, MONDO:0957265, OMIM 620369.
Hypokalemic periodic paralysis, type 2 (HOKPP2). Identifiers: Orphanet 681, MedGen C2750061, MONDO:0013234, OMIM 613345.
Potassium-aggravated myotonia. Also called: Myotonia congenita, atypical, acetazolamide-responsive; MYOTONIA CONGENITA, ACETAZOLAMIDE-RESPONSIVE; MYOTONIA CONGENITA, ATYPICAL; SODIUM CHANNEL MUSCLE DISEASE. Identifiers: Orphanet 612, Orphanet 99734, Orphanet 99735, Orphanet 99736, MedGen C2931826, MONDO:0018959, OMIM 608390.

Allele frequency attached by ClinVar (database versions not stated): gnomAD exomes 0.00003 and 0.00008; ESP Exome Variant Server 0.00039; 1000 Genomes Project 0.00060; gnomAD 0.00022; ExAC 0.00009; TOPMed 0.00024; 1000 Genomes Project 30x 0.00047.

Submissions (6):

CeGaT Center for Human Genetics Tuebingen
Classification: Uncertain significance. Last evaluated: 2026-09-01. Review status: criteria provided, single submitter. Criteria: CeGaT Center For Human Genetics Tuebingen Variant Classification Criteria Version 2. Collection method: clinical testing. Allele origin: germline. Affected: yes. Observed: 1 variant allele.
Comment: SCN4A: PM2

Labcorp Genetics (formerly Invitae), Labcorp
Classification: Likely benign for Hyperkalemic periodic paralysis. Last evaluated: 2025-11-23. Review status: criteria provided, single submitter. Criteria: Invitae Variant Classification Sherloc (09022015). Collection method: clinical testing. Allele origin: germline.

Fulgent Genetics
Classification: Uncertain significance for Paramyotonia congenita of Von Eulenburg; Hyperkalemic periodic paralysis; Potassium-aggravated myotonia; Hypokalemic periodic paralysis, type 2; Congenital myasthenic syndrome 16; Congenital myopathy 22A, classic; Congenital myopathy 22B, severe fetal. Last evaluated: 2024-01-11. Review status: criteria provided, single submitter. Criteria: ACMG Guidelines, 2015. Collection method: clinical testing. Allele origin: germline.

GeneDx
Classification: Uncertain significance. Last evaluated: 2023-01-19. Review status: criteria provided, single submitter. Criteria: GeneDx Variant Classification Process June 2021. Collection method: clinical testing. Allele origin: germline. Affected: yes.
Comment: In silico analysis supports that this missense variant does not alter protein structure/function; Has not been previously published as pathogenic or benign to our knowledge

Revvity Omics, Revvity
Classification: Uncertain significance. Last evaluated: 2020-06-09. Review status: criteria provided, single submitter. Criteria: ACMG Guidelines, 2015. Collection method: clinical testing. Allele origin: germline.

Eurofins Ntd Llc (ga)
Classification: Uncertain significance. Last evaluated: 2017-08-08. Review status: criteria provided, single submitter. Criteria: EGL Classification Definitions 2015. Collection method: clinical testing. Allele origin: germline. Observed: 1 variant allele, 1 heterozygote.

NM_000334.4(SCN4A):c.5366C>T (p.Ser1789Leu)

Genes: GH-LCR (growth hormone locus control region; plus strand), SCN4A (sodium voltage-gated channel alpha subunit 4; minus strand). Cytogenetic location: 17q23.3.
Variant type: single nucleotide variant.
Coding change: c.5366C>T on transcript NM_000334.4 (MANE Select); coding-DNA position 5366, C replaced by T.
Protein change: p.Ser1789Leu; replaces serine 1789 with leucine.
Molecular consequence: missense variant.
Genome position (GRCh38, 1-based): chr17:63,940,916, G>A on the plus strand (C>T on the coding strand, the complement: SCN4A is on the minus strand). VCF-style: chr17-63940916-G-A. GRCh37 (hg19) VCF-style: chr17-62018276-G-A.
Other names: short protein forms S1789L.
Identifiers: ClinVar variation 569390 (VCV000569390.22), dbSNP rs201414160, ClinGen allele CA8708772.
Genomic context (GRCh38, chr17:63,940,916, plus strand): 5'-GGCATCAGCCCCATAGTGGGTCCGGCGTCCCCTGCCTCGCCCTTCTCCTCCGGGCTTGGC[G>A]AGCTGCTGTTCCCATTCTCGTGGCCATACATCTTGCTCATGGTGTTGGCAAGCAGCCCCT-3'
Protein context (NP_000325.4, residues 1779-1799): MYGHENGNSS[Ser1789Leu]PSPEEKGEAG